The following is an entry in ClinVar:

ClinVar aggregate classification (germline): Uncertain significance (1 of 4 stars; one submission).

Conditions:
Norman-Roberts syndrome (LIS2). Also called: Lissencephaly 2 (Norman-Roberts type). Identifiers: Orphanet 89844, MedGen C0796089, MONDO:0009760, OMIM 257320.
Familial temporal lobe epilepsy 7. Identifiers: Orphanet 101046, MedGen C4225327, MONDO:0014639, OMIM 616436.

Submission:

Labcorp Genetics (formerly Invitae), Labcorp
Classification: Uncertain significance for Familial temporal lobe epilepsy 7; Norman-Roberts syndrome. Last evaluated: 2024-01-14. Review status: criteria provided, single submitter. Criteria: Invitae Variant Classification Sherloc (09022015). Collection method: clinical testing. Allele origin: germline.
Comment: This sequence change replaces arginine, which is basic and polar, with cysteine, which is neutral and slightly polar, at codon 334 of the RELN protein (p.Arg334Cys). This variant is present in population databases (rs777631168, gnomAD 0.01%). This variant has not been reported in the literature in individuals affected with RELN-related conditions. Advanced modeling of protein sequence and biophysical properties (such as structural, functional, and spatial information, amino acid conservation, physicochemical variation, residue mobility, and thermodynamic stability) performed at Invitae indicates that this missense variant is not expected to disrupt RELN protein function with a negative predictive value of 80%. In summary, the available evidence is currently insufficient to determine the role of this variant in disease. Therefore, it has been classified as a Variant of Uncertain Significance.

NM_005045.4(RELN):c.1000C>T (p.Arg334Cys)

Gene: RELN (reelin; minus strand). Cytogenetic location: 7q22.1.
Variant type: single nucleotide variant.
Coding change: c.1000C>T on transcript NM_005045.4 (MANE Select); coding-DNA position 1000, C replaced by T.
Protein change: p.Arg334Cys; replaces arginine 334 with cysteine.
Molecular consequence: missense variant.
Genome position (GRCh38, 1-based): chr7:103,697,996, G>A on the plus strand (C>T on the coding strand, the complement: RELN is on the minus strand). VCF-style: chr7-103697996-G-A. GRCh37 (hg19) VCF-style: chr7-103338443-G-A.
Other names: c.1000C>T, p.Arg334Cys (NM_173054.3); short protein forms R334C.
Identifiers: ClinVar variation 2924189 (VCV002924189.3), dbSNP rs777631168, ClinGen allele CA4422386.